The following is an entry in ClinVar:

NM_004958.4(MTOR):c.4871A>G (p.Gln1624Arg)

Genes: MTOR (mechanistic target of rapamycin kinase; minus strand), MTOR-AS1 (MTOR antisense RNA 1; plus strand). Cytogenetic location: 1p36.22.
Variant type: single nucleotide variant.
Coding change: c.4871A>G on transcript NM_004958.4 (MANE Select); coding-DNA position 4871, A replaced by G.
Protein change: p.Gln1624Arg; replaces glutamine 1624 with arginine.
Molecular consequence: missense variant.
Genome position (GRCh38, 1-based): chr1:11,144,649, T>C on the plus strand (A>G on the coding strand, the complement: MTOR is on the minus strand). VCF-style: chr1-11144649-T-C. GRCh37 (hg19) VCF-style: chr1-11204706-T-C.
Other names: c.4871A>G, p.Gln1624Arg (NM_001386500.1); c.3623A>G, p.Gln1208Arg (NM_001386501.1); short protein forms Q1208R, Q1624R.
Identifiers: ClinVar variation 4810086 (VCV004810086.1).

ClinVar aggregate classification (germline): Uncertain significance (1 of 4 stars; one submission).

gnomAD v4.1: 10 of 1,614,000 alleles (0.00062%); highest among the groups gnomAD compares: Non-Finnish European, 0.00076%; no homozygotes.

Submission:

Labcorp Genetics (formerly Invitae), Labcorp
Classification: Uncertain significance. Last evaluated: 2025-10-07. Review status: criteria provided, single submitter. Criteria: Invitae Variant Classification Sherloc (09022015). Collection method: clinical testing. Allele origin: germline.
Comment: This sequence change replaces glutamine, which is neutral and polar, with arginine, which is basic and polar, at codon 1624 of the MTOR protein (p.Gln1624Arg). This variant is not present in population databases (gnomAD no frequency). This variant has not been reported in the literature in individuals affected with MTOR-related conditions. An algorithm developed to predict the effect of missense changes on protein structure and function (PolyPhen-2) suggests that this variant is likely to be disruptive. Algorithms developed to predict the effect of sequence changes on RNA splicing suggest that this variant may disrupt the consensus splice site. In summary, the available evidence is currently insufficient to determine the role of this variant in disease. Therefore, it has been classified as a Variant of Uncertain Significance.